The following is an entry in ClinVar:

NM_006662.3(SRCAP):c.3307A>G (p.Thr1103Ala)

Gene: SRCAP (Snf2 related CREBBP activator protein; plus strand). Cytogenetic location: 16p11.2.
Variant type: single nucleotide variant.
Coding change: c.3307A>G on transcript NM_006662.3 (MANE Select); coding-DNA position 3307, A replaced by G.
Protein change: p.Thr1103Ala; replaces threonine 1103 with alanine.
Molecular consequence: missense variant.
Genome position (GRCh38, 1-based): chr16:30,721,242, A>G. VCF-style: chr16-30721242-A-G. GRCh37 (hg19) VCF-style: chr16-30732563-A-G.
Other names: short protein forms T1103A.
Identifiers: ClinVar variation 2695702 (VCV002695702.3), dbSNP rs2506665636, ClinGen allele CA395613725.
Genomic context (GRCh38, chr16:30,721,242, plus strand): 5'-TCTGCAGTGTTGCCATCCCCCCTGGGGGTCCTGAGTGGGACCTCACGGCCTCCCACGCCA[A>G]CCTTGTCCCTAAAGCCAACACCACCTGCCCCAGTTCGCCTGAGCCCAGCCCCACCTCCAG-3'
Protein context (NP_006653.2, residues 1093-1113): LSGTSRPPTP[Thr1103Ala]LSLKPTPPAP

ClinVar aggregate classification (germline): Uncertain significance (1 of 4 stars; one submission).

Allele frequency attached by ClinVar (database versions not stated): gnomAD exomes below 0.00001.
gnomAD v4.1: 1 of 1,613,846 alleles (0.000062%); highest among the groups gnomAD compares: Non-Finnish European, 0.000085%; no homozygotes.

Submission:

Labcorp Genetics (formerly Invitae), Labcorp
Classification: Uncertain significance. Last evaluated: 2023-06-09. Review status: criteria provided, single submitter. Criteria: Invitae Variant Classification Sherloc (09022015). Collection method: clinical testing. Allele origin: germline.
Comment: This variant is not present in population databases (gnomAD no frequency). In summary, the available evidence is currently insufficient to determine the role of this variant in disease. Therefore, it has been classified as a Variant of Uncertain Significance. Advanced modeling of protein sequence and biophysical properties (such as structural, functional, and spatial information, amino acid conservation, physicochemical variation, residue mobility, and thermodynamic stability) performed at Invitae indicates that this missense variant is not expected to disrupt SRCAP protein function. This variant has not been reported in the literature in individuals affected with SRCAP-related conditions. This sequence change replaces threonine, which is neutral and polar, with alanine, which is neutral and non-polar, at codon 1103 of the SRCAP protein (p.Thr1103Ala).